The following is an entry in ClinVar:

NM_031433.4(MFRP):c.1125-3C>A

Genes: C1QTNF5 (C1q and TNF related 5; minus strand), MFRP (membrane frizzled-related protein; minus strand). Cytogenetic location: 11q23.3.
Variant type: single nucleotide variant.
Coding change: c.1125-3C>A on transcript NM_031433.4 (MANE Select); 3 bases into the intron before coding-DNA position 1125, C replaced by A.
Molecular consequence: intron variant.
Genome position (GRCh38, 1-based): chr11:119,343,006, G>T on the plus strand (C>A on the coding strand, the complement: MFRP is on the minus strand). VCF-style: chr11-119343006-G-T. GRCh37 (hg19) VCF-style: chr11-119213716-G-T.
Other names: c.-1512-3C>A (NM_015645.5).
Identifiers: ClinVar variation 1048917 (VCV001048917.3), dbSNP rs1277780681, ClinGen allele CA672445154.
Genomic context (GRCh38, chr11:119,343,006, plus strand): 5'-CACAGCCAGCTCATGGTGCGAGGAGACGAGGTGGGGGGGTGGCTCTGCTCCACAGAACCT[G>T]CCCAAAGCAGACAGCTGTTCTGGGCACCAGCCCTGGCTGACTGAGGGGGCACTGCAGCCT-3'

ClinVar aggregate classification (germline): Uncertain significance (0 of 4 stars; one submission).

Allele frequency attached by ClinVar (database versions not stated): gnomAD 0.00001; TOPMed below 0.00001.

Submission:

Department of Pathology and Laboratory Medicine, Sinai Health System
Classification: Uncertain significance. Review status: no assertion criteria provided. Collection method: clinical testing. Allele origin: unknown. Affected: yes. Study: The Canadian Open Genetics Repository (COGR).
Comment: The C1QTNF5 c.-1512-3C>A variant was not identified in the literature nor was it identified in ClinVar. The variant was identified in dbSNP (ID: rs1277780681) but was not identified in the following control databases: the 1000 Genomes Project, the NHLBI GO Exome Sequencing Project, or the Genome Aggregation Database (March 6, 2019, v2.1.1). The c.-1512-3C>A variant is located in the 3' splice region but does not affect the invariant -1 and -2 positions. However, positions -3 and -5 to -12 are part of the splicing consensus sequence and variants involving these positions sometimes affect splicing. In addition, three of four in silico or computational prediction software programs (SpliceSiteFinder, MaxEntScan, NNSPLICE, GeneSplicer) predict a difference in splicing, however this has not been confirmed by RNA analysis. In summary, based on the above information the clinical significance of this variant cannot be determined with certainty at this time. This variant is classified as a variant of uncertain significance.